The following continues an entry in ClinVar:

NM_000051.4(ATM):c.478_482del (p.Ser160fs)

Gene: ATM. ClinVar aggregate classification (germline): Pathogenic/Likely pathogenic. Pathogenic (15); Likely pathogenic (3).

Submissions 15 to 19 of 19:

Genetic Services Laboratory, University of Chicago
Classification: Likely pathogenic. Last evaluated: 2019-07-26. Review status: criteria provided, single submitter. Criteria: ACMG Guidelines, 2015. Collection method: clinical testing. Allele origin: germline. Affected: yes.
Comment: DNA sequence analysis of the ATM gene demonstrated a five base pair deletion in exon 5, c.478_482del. This likely pathogenic sequence change results in an amino acid frameshift and creates a premature stop codon 22 amino acids downstream of the mutation, p.Ser160Alafs*23. This likely pathogenic sequence change is predicted to result in an abnormal transcript, which may be degraded, or may lead to the production of a truncated ATM protein with potentially abnormal function. The p.Ser160Alafs23* change has been identified in a patient referred for genetic testing for hereditary breast and/or ovarian cancer (PMID: 26270727). The p.Ser160Alafs*23 change is reported in the gnomAD database in the heterozygous state in a single individual (dbSNP rs587780624). Truncating variants in the ATM gene have been observed in patients with breast cancer and in patients with ataxia.

Blueprint Genetics
Classification: Likely pathogenic for ATM-related disorders. Last evaluated: 2017-09-05. Review status: criteria provided, single submitter. Criteria: ACMG Guidelines, 2015. Collection method: clinical testing. Allele origin: germline. Affected: yes. Observed: 1 variant allele.

Juno Genomics, Hangzhou Juno Genomics, Inc
Classification: Likely pathogenic for Familial cancer of breast; Ataxia-telangiectasia syndrome. Review status: criteria provided, single submitter. Criteria: ACMG Guidelines, 2015. Collection method: clinical testing. Allele origin: germline.
Comment: Absent from controls (or at extremely low frequency if recessive) in Genome Aggregation Database.;Null variant in a gene where loss of function (LOF) is a known mechanism of disease.

Kasturba Medical College, Manipal, Kasturba Medical College, Manipal, Manipal Academy of Higher Education, Manipal, India
Classification: Pathogenic for Ataxia-telangiectasia syndrome. Review status: criteria provided, single submitter. Criteria: ACMG Guidelines, 2015. Collection method: clinical testing. Allele origin: biparental. Inheritance: Autosomal recessive inheritance. Affected: yes. Observed: 1 homozygote.

Counsyl
Classification: Likely pathogenic for Ataxia-telangiectasia syndrome. Last evaluated: 2015-05-12. Review status: no assertion criteria provided. Collection method: clinical testing. Allele origin: unknown. Not counted in ClinVar's aggregate classification.

Literature cited by the submitters: PubMed 33471991 (cited by Center for Genomic Medicine, Rigshospitalet, Copenhagen University Hospital and Ambry Genetics); PubMed 31447099 (cited by Center for Genomic Medicine, Rigshospitalet, Copenhagen University Hospital and Ambry Genetics); PubMed 30420857 (cited by 4 submitters); PubMed 23807571 (cited by Labcorp Genetics (formerly Invitae), Labcorp); PubMed 25614872 (cited by Labcorp Genetics (formerly Invitae), Labcorp); PubMed 26270727 (cited by 3 submitters); PubMed 10234507 (cited by 3 submitters); PubMed 31360874 (cited by Ambry Genetics); DOI 10.3389/fimmu.2018.02495 (cited by Kasturba Medical College, Manipal, Kasturba Medical College, Manipal, Manipal Academy of Higher Education, Manipal, India).